The following is an entry in ClinVar:

ClinVar aggregate classification (germline): Uncertain significance (1 of 4 stars; one submission).

Submission:

GeneDx
Classification: Uncertain significance. Last evaluated: 2024-04-14. Review status: criteria provided, single submitter. Criteria: GeneDx Variant Classification Process June 2021. Collection method: clinical testing. Allele origin: germline. Affected: yes.
Comment: Not observed at significant frequency in large population cohorts (gnomAD); In silico analysis indicates that this missense variant does not alter protein structure/function; Has not been previously published as pathogenic or benign to our knowledge

NM_006565.4(CTCF):c.1661C>T (p.Ala554Val)

Gene: CTCF (CCCTC-binding factor; plus strand). Cytogenetic location: 16q22.1.
Variant type: single nucleotide variant.
Coding change: c.1661C>T on transcript NM_006565.4 (MANE Select); coding-DNA position 1661, C replaced by T.
Protein change: p.Ala554Val; replaces alanine 554 with valine.
Molecular consequence: missense variant.
Genome position (GRCh38, 1-based): chr16:67,628,512, C>T. VCF-style: chr16-67628512-C-T. GRCh37 (hg19) VCF-style: chr16-67662415-C-T.
Other names: c.677C>T, p.Ala226Val (NM_001191022.2); c.1661C>T, p.Ala554Val (NM_001363916.2); short protein forms A226V, A554V.
Identifiers: ClinVar variation 3372492 (VCV003372492.1).